The following is an entry in ClinVar:

NM_004408.4(DNM1):c.1557+16G>A

Gene: DNM1 (dynamin 1; plus strand). Cytogenetic location: 9q34.11.
Variant type: single nucleotide variant.
Coding change: c.1557+16G>A on transcript NM_004408.4 (MANE Select); 16 bases into the intron after coding-DNA position 1557, G replaced by A.
Molecular consequence: intron variant.
Genome position (GRCh38, 1-based): chr9:128,240,012, G>A. VCF-style: chr9-128240012-G-A. GRCh37 (hg19) VCF-style: chr9-131002291-G-A.
Other names: c.1557+16G>A (NM_001005336.3, NM_001288738.2, NM_001288737.2 and 1 more transcripts).
Identifiers: ClinVar variation 510632 (VCV000510632.1), dbSNP rs1554780910, ClinGen allele CA658797285.

ClinVar aggregate classification (germline): Likely benign (1 of 4 stars; one submission).

Allele frequency attached by ClinVar (database versions not stated): gnomAD exomes below 0.00001.
gnomAD v4.1: 1 of 1,614,110 alleles (0.000062%); highest among the groups gnomAD compares: Non-Finnish European, 0.000085%; no homozygotes.

Submission:

GeneDx
Classification: Likely benign. Last evaluated: 2017-07-06. Review status: criteria provided, single submitter. Criteria: GeneDx Variant Classification (06012015). Collection method: clinical testing. Allele origin: germline. Affected: yes.
Comment: This variant is considered likely benign or benign based on one or more of the following criteria: it is a conservative change, it occurs at a poorly conserved position in the protein, it is predicted to be benign by multiple in silico algorithms, and/or has population frequency not consistent with disease.